The following is an entry in ClinVar:

ClinVar aggregate classification (germline): Pathogenic/Likely pathogenic. Review status: criteria provided, multiple submitters, no conflicts (2 of 4 stars). 8 submissions from 7 submitters: Pathogenic (3); Likely pathogenic (3). 2 of the submissions do not count toward it. Last evaluated 2022-09-27.

Conditions:
Muscular dystrophy-dystroglycanopathy. Also called: Congenital muscular dystrophy due to dystroglycanopathy. Identifiers: Orphanet 370953, MedGen C5679911, MONDO:0018276.
Inborn genetic diseases. Identifiers: MedGen C0950123, MeSH D030342.
Autosomal recessive limb-girdle muscular dystrophy type 2T. Also called: MUSCULAR DYSTROPHY, LIMB-GIRDLE, TYPE 2T; Muscular dystrophy-dystroglycanopathy (limb-girdle), type c, 14; Limb-girdle muscular dystrophy-dystroglycanopathy, type C14; MUSCULAR DYSTROPHY-DYSTROGLYCANOPATHY, LIMB-GIRDLE, GMPPB-RELATED. Identifiers: Orphanet 363623, MedGen C4518000, MONDO:0014142, OMIM 615352.
Muscular dystrophy-dystroglycanopathy (congenital with brain and eye anomalies), type A14. Also called: Muscular dystrophy-dystroglycanopathy (congenital with brain and eye anomalies), type a, 14; Congenital Muscular Dystrophy-Dystroglycanopathy with Brain and Eye Anomalies Type A 14; Congenital muscular dystrophy-dystroglycanopathy with brain and eye anomalies, type A14; WALKER-WARBURG SYNDROME OR MUSCLE-EYE-BRAIN DISEASE, GMPPB-RELATED. Identifiers: Orphanet 588, MedGen C3809216, MONDO:0014140, OMIM 615350.
Muscular dystrophy-dystroglycanopathy (congenital with impaired intellectual development), type B, 14. Also called: Muscular dystrophy-dystroglycanopathy (congenital with intellectual disability), type B14; Congenital muscular dystrophy-dystroglycanopathy with mental retardation, type B14; MUSCULAR DYSTROPHY, CONGENITAL, GMPPB-RELATED. Identifiers: MedGen C3809221, MONDO:0014141, OMIM 615351.

Allele frequency attached by ClinVar (database versions not stated): gnomAD 0.00001; TOPMed 0.00001; ExAC 0.00003; gnomAD exomes 0.00004.

Submissions (8):

Revvity Omics, Revvity
Classification: Likely pathogenic. Last evaluated: 2022-09-27. Review status: criteria provided, single submitter. Criteria: ACMG Guidelines, 2015. Collection method: clinical testing. Allele origin: germline.

Labcorp Genetics (formerly Invitae), Labcorp
Classification: Likely pathogenic for Autosomal recessive limb-girdle muscular dystrophy type 2T; Muscular dystrophy-dystroglycanopathy (congenital with brain and eye anomalies), type A14; Muscular dystrophy-dystroglycanopathy (congenital with impaired intellectual development), type B, 14. Last evaluated: 2022-08-16. Review status: criteria provided, single submitter. Criteria: Invitae Variant Classification Sherloc (09022015). Collection method: clinical testing. Allele origin: germline.
Comment: This sequence change replaces arginine, which is basic and polar, with cysteine, which is neutral and slightly polar, at codon 185 of the GMPPB protein (p.Arg185Cys). This variant is present in population databases (rs397509425, gnomAD 0.01%). This missense change has been observed in individuals with clinical features of GMPPB-related conditions (PMID: 23768512, 25326637, 30684953, 32403337, 32404165). ClinVar contains an entry for this variant (Variation ID: 60543). Algorithms developed to predict the effect of missense changes on protein structure and function are either unavailable or do not agree on the potential impact of this missense change (SIFT: "Deleterious"; PolyPhen-2: "Probably Damaging"; Align-GVGD: "Class C0"). Experimental studies are conflicting or provide insufficient evidence to determine the effect of this variant on GMPPB function (PMID: 23768512). Algorithms developed to predict the effect of sequence changes on RNA splicing suggest that this variant may create or strengthen a splice site. In summary, the currently available evidence indicates that the variant is pathogenic, but additional data are needed to prove that conclusively. Therefore, this variant has been classified as Likely Pathogenic.

Rady Children's Institute for Genomic Medicine, Rady Children's Hospital San Diego
Classification: Pathogenic for MUSCULAR DYSTROPHY-DYSTROGLYCANOPATHY. Last evaluated: 2019-05-29. Review status: criteria provided, single submitter. Criteria: ACMG Guidelines, 2015. Collection method: clinical testing. Allele origin: germline. Affected: yes.
Comment: This variant has been previously reported as a homozygous change in 6 patients with hypotonia, muscle weakness, cataracts, and elevated serum creatine kinase (PMID: 23768512, 29054425). Functional studies have shown reduced alpha-dystroglycan glycosylation in muscle and fibroblasts of individuals with this variant (PMID: 23768512). It is present in the heterozygous state in the gnomAD population database at a frequency of 0.0036% (9/250,734) and thus is presumed to be rare. The c.553C>T (p.Arg185Cys) variant affects a highly conserved amino acid and is predicted by multiple in silico tools to have a deleterious effect on protein function. Based on the available evidence, the c.553C>T (p.Arg185Cys) variant is classified as Pathogenic.

Ambry Genetics
Classification: Pathogenic for Inborn genetic diseases. Last evaluated: 2017-08-07. Review status: criteria provided, single submitter. Criteria: Ambry exome assertion method (8-5-2015). Collection method: clinical testing. Allele origin: germline. Affected: yes. Observed: 1 variant allele.

Genetic Services Laboratory, University of Chicago
Classification: Likely pathogenic for Muscular dystrophy-dystroglycanopathy. Last evaluated: 2017-05-23. Review status: criteria provided, single submitter. Criteria: ACMG Guidelines, 2015. Collection method: clinical testing. Allele origin: germline. Affected: yes.

UCLA Clinical Genomics Center, UCLA
Classification: Pathogenic for Congenital muscular dystrophy-dystroglycanopathy with brain and eye anomalies, type A14; Congenital muscular dystrophy-dystroglycanopathy with mental retardation, type B14; Limb-girdle muscular dystrophy-dystroglycanopathy, type C14. Last evaluated: 2014-01-28. Review status: criteria provided, single submitter. Criteria: Lee et al. (JAMA. 2014). Collection method: clinical testing. Allele origin: unknown. Inheritance: Autosomal recessive inheritance. Affected: yes. Study: CES.

OMIM
Classification: Pathogenic for MUSCULAR DYSTROPHY-DYSTROGLYCANOPATHY (CONGENITAL WITH IMPAIRED INTELLECTUAL DEVELOPMENT), TYPE B, 14. Last evaluated: 2013-07-11. Review status: no assertion criteria provided. Collection method: literature only. Allele origin: germline. Not counted in ClinVar's aggregate classification.

OMIM
Classification: Pathogenic for MUSCULAR DYSTROPHY-DYSTROGLYCANOPATHY (LIMB-GIRDLE), TYPE C, 14. Last evaluated: 2013-07-11. Review status: no assertion criteria provided. Collection method: literature only. Allele origin: germline. Not counted in ClinVar's aggregate classification.

Literature cited by the submitters: PubMed 23768512 (cited by 3 submitters); PubMed 25326637 (cited by Labcorp Genetics (formerly Invitae), Labcorp); PubMed 30684953 (cited by Labcorp Genetics (formerly Invitae), Labcorp); PubMed 32403337 (cited by Labcorp Genetics (formerly Invitae), Labcorp); PubMed 32404165 (cited by Labcorp Genetics (formerly Invitae), Labcorp).

NM_021971.4(GMPPB):c.553C>T (p.Arg185Cys)

Gene: GMPPB (GDP-mannose pyrophosphorylase B; minus strand). Cytogenetic location: 3p21.31.
Variant type: single nucleotide variant.
Coding change: c.553C>T on transcript NM_021971.4 (MANE Select); coding-DNA position 553, C replaced by T.
Protein change: p.Arg185Cys; replaces arginine 185 with cysteine.
Molecular consequence: missense variant.
Genome position (GRCh38, 1-based): chr3:49,722,604, G>A on the plus strand (C>T on the coding strand, the complement: GMPPB is on the minus strand). VCF-style: chr3-49722604-G-A. GRCh37 (hg19) VCF-style: chr3-49760037-G-A.
Other names: c.553C>T, p.Arg185Cys (NM_013334.4); short protein forms R185C.
Identifiers: ClinVar variation 60543 (VCV000060543.21), dbSNP rs397509425, ClinGen allele CA144560.
Genomic context (GRCh38, chr3:49,722,604, plus strand): 5'-GGCGGTGATGGCCTGCCCCACCCCAGCCCACCAACAGCTGTCTCCTACACACCTGGATGC[G>A]CTGCAGCACTGCAGGGCTCAGGATGTACATGCCTGCGTTGATCTTATTGGACACAAACAC-3'
Protein context (NP_068806.2, residues 175-195): MYILSPAVLQ[Arg185Cys]IQLQPTSIEK